The following is an entry in ClinVar:

ClinVar aggregate classification (germline): Uncertain significance (1 of 4 stars; one submission).

Conditions:
Dystonia 12 (DYT12). Also called: Rapid-Onset Dystonia-Parkinsonism (RDP); DYT-ATP1A3. Identifiers: Orphanet 71517, MedGen C1868681, MONDO:0007496, OMIM 128235.

Submission:

Labcorp Genetics (formerly Invitae), Labcorp
Classification: Uncertain significance for Dystonia 12. Last evaluated: 2018-09-20. Review status: criteria provided, single submitter. Criteria: Invitae Variant Classification Sherloc (09022015). Collection method: clinical testing. Allele origin: germline.
Comment: In summary, the available evidence is currently insufficient to determine the role of this variant in disease. Therefore, it has been classified as a Variant of Uncertain Significance. Algorithms developed to predict the effect of missense changes on protein structure and function are either unavailable or do not agree on the potential impact of this missense change (SIFT: "Deleterious"; PolyPhen-2: "Probably Damaging"; Align-GVGD: "Class C0"). This variant has not been reported in the literature in individuals with ATP1A3-related disease. This variant is not present in population databases (ExAC no frequency). This sequence change replaces isoleucine with phenylalanine at codon 601 of the ATP1A3 protein (p.Ile601Phe). The isoleucine residue is highly conserved and there is a small physicochemical difference between isoleucine and phenylalanine.

NM_152296.5(ATP1A3):c.1801A>T (p.Ile601Phe)

Gene: ATP1A3 (ATPase Na+/K+ transporting subunit alpha 3; minus strand). Cytogenetic location: 19q13.2.
Variant type: single nucleotide variant.
Coding change: c.1801A>T on transcript NM_152296.5 (MANE Select); coding-DNA position 1801, A replaced by T.
Protein change: p.Ile601Phe; replaces isoleucine 601 with phenylalanine.
Molecular consequence: missense variant.
Genome position (GRCh38, 1-based): chr19:41,978,156, T>A on the plus strand (A>T on the coding strand, the complement: ATP1A3 is on the minus strand). VCF-style: chr19-41978156-T-A. GRCh37 (hg19) VCF-style: chr19-42482308-T-A.
Other names: c.1834A>T, p.Ile612Phe (NM_001256213.2); c.1840A>T, p.Ile614Phe (NM_001256214.2); short protein forms I601F, I612F, I614F.
Identifiers: ClinVar variation 645467 (VCV000645467.8), dbSNP rs1599715325, ClinGen allele CA406045392.